The following is an entry in ClinVar:

NM_145239.3(PRRT2):c.1004A>G (p.Asn335Ser)

Genes: MVP-DT (MVP divergent transcript; minus strand), PRRT2 (proline rich transmembrane protein 2; plus strand). Cytogenetic location: 16p11.2.
Variant type: single nucleotide variant.
Coding change: c.1004A>G on transcript NM_145239.3 (MANE Select); coding-DNA position 1004, A replaced by G.
Protein change: p.Asn335Ser; replaces asparagine 335 with serine.
Molecular consequence: missense variant. On other transcripts: 3 prime UTR variant (1).
Genome position (GRCh38, 1-based): chr16:29,814,457, A>G. VCF-style: chr16-29814457-A-G. GRCh37 (hg19) VCF-style: chr16-29825778-A-G.
Other names: c.1004A>G, p.Asn335Ser (NM_001256442.2); c.*503A>G (NM_001256443.2); short protein forms N335S.
Identifiers: ClinVar variation 2632527 (VCV002632527.4), dbSNP rs774242702, ClinGen allele CA7994640.
Genomic context (GRCh38, chr16:29,814,457, plus strand): 5'-TCTTAAGCATCGTGGCGCTGGTGGGGGGAGTCCTCATCATCATCGCCTCCTGCGTCATCA[A>G]CTTAGGCGGTGAGTGGGGGCTTGGGACAGGCAGGGGAGGAATGGAAGGGTTGGCAAGGGC-3'
Protein context (NP_660282.2, residues 325-340): VLIIIASCVI[Asn335Ser]LGVYK

ClinVar aggregate classification (germline): Uncertain significance. Review status: criteria provided, multiple submitters, no conflicts (2 of 4 stars). 2 submissions from 2 submitters: Uncertain significance (2). Last evaluated 2024-02-24.

Conditions:
PRRT2-Related Disorder. Also called: PRRT2-related disorders. Identifiers: MedGen CN381059.
Episodic kinesigenic dyskinesia (EKD). Also called: Paroxysmal kinesigenic dyskinesia. Identifiers: Orphanet 98809, MedGen C1868682, MONDO:0044202.

Allele frequency attached by ClinVar (database versions not stated): gnomAD exomes below 0.00001; ExAC 0.00001.
gnomAD v4.1: 3 of 1,603,640 alleles (0.00019%); highest among the groups gnomAD compares: Non-Finnish European, 0.00026%; no homozygotes.

Submissions (2):

Labcorp Genetics (formerly Invitae), Labcorp
Classification: Uncertain significance for Episodic kinesigenic dyskinesia. Last evaluated: 2024-02-24. Review status: criteria provided, single submitter. Criteria: Invitae Variant Classification Sherloc (09022015). Collection method: clinical testing. Allele origin: germline.
Comment: This sequence change replaces asparagine, which is neutral and polar, with serine, which is neutral and polar, at codon 335 of the PRRT2 protein (p.Asn335Ser). This variant is present in population databases (rs774242702, gnomAD 0.0009%). This variant has not been reported in the literature in individuals affected with PRRT2-related conditions. ClinVar contains an entry for this variant (Variation ID: 2632527). Advanced modeling of protein sequence and biophysical properties (such as structural, functional, and spatial information, amino acid conservation, physicochemical variation, residue mobility, and thermodynamic stability) has been performed at Invitae for this missense variant, however the output from this modeling did not meet the statistical confidence thresholds required to predict the impact of this variant on PRRT2 protein function. In summary, the available evidence is currently insufficient to determine the role of this variant in disease. Therefore, it has been classified as a Variant of Uncertain Significance.

PreventionGenetics, part of Exact Sciences
Classification: Uncertain significance for PRRT2-related condition. Last evaluated: 2023-06-07. Review status: criteria provided, single submitter. Criteria: ACMG Guidelines, 2015. Collection method: clinical testing. Allele origin: germline.
Comment: The PRRT2 c.1004A>G variant is predicted to result in the amino acid substitution p.Asn335Ser. To our knowledge, this variant has not been reported in the literature. This variant is reported in 0.00092% of alleles in individuals of European (Non-Finnish) descent in gnomAD. At this time, the clinical significance of this variant is uncertain due to the absence of conclusive functional and genetic evidence.